The following is an entry in ClinVar:

ClinVar aggregate classification (germline): Uncertain significance. Review status: criteria provided, multiple submitters, no conflicts (2 of 4 stars). 15 submissions from 15 submitters: Uncertain significance (13). 2 of the submissions do not count toward it. Last evaluated 2026-07-29.

Conditions:
Hereditary cancer-predisposing syndrome. Also called: Tumor predisposition; Hereditary neoplastic syndrome; Hereditary Cancer Syndrome; Neoplastic Syndromes, Hereditary. Identifiers: Orphanet 140162, MedGen C0027672, MeSH D009386, MONDO:0015356.
ATM-related disorder. Also called: ATM-related disorders; ATM-related condition.
Breast-ovarian cancer, familial, susceptibility to, 1 (BROVCA1). Also called: BRCA1 Hereditary Breast and Ovarian Cancer; OVARIAN CANCER, SUSCEPTIBILITY TO. Identifiers: Orphanet 145, MedGen C2676676, MONDO:0011450, OMIM 604370. Disease mechanism: loss of function.
Familial cancer of breast. Also called: Hereditary breast cancer; hereditary breast carcinoma; BREAST CANCER, FAMILIAL. Identifiers: Orphanet 227535, MedGen C0346153, MONDO:0016419, OMIM 114480. Disease mechanism: loss of function.
Ataxia-telangiectasia syndrome (AT). Also called: Ataxia telangiectasia (A-T); Cerebello-oculocutaneous telangiectasia; Immunodeficiency with ataxia telangiectasia; Ataxia-telangiectasia; LOUIS-BAR SYNDROME; Ataxia-telangiectasia, complementation group D. Identifiers: Orphanet 100, MedGen C0004135, MONDO:0008840, OMIM 208900.

Allele frequency attached by ClinVar (database versions not stated): gnomAD 0.00001 and 0.00002; gnomAD exomes 0.00002; TOPMed 0.00006; ESP Exome Variant Server 0.00008.
gnomAD v4.1: 28 of 1,613,044 alleles (0.0017%); highest among the groups gnomAD compares: Non-Finnish European, 0.0023%; no homozygotes.

Submissions 1 to 10 of 15:

PreventionGenetics, part of Exact Sciences
Classification: Uncertain significance for ATM-related condition. Last evaluated: 2026-07-29. Review status: criteria provided, single submitter. Criteria: ACMG Guidelines, 2015. Collection method: clinical testing. Allele origin: germline.
Comment: The ATM c.2260C>A variant is predicted to result in the amino acid substitution p.Gln754Lys. This variant has been reported in a patient with colorectal cancer that also had a pathogenic variant in PMS2 (eTable 2, Pearlman et al. 2017. PubMed ID: 27978560), and in an individual in a study of ATM variants’ role in radiation-induced contralateral breast cancer in women (Supplementary Table 2, Bernstein et al. 2010. PubMed ID: 20305132). This variant has been reported in another individual with breast cancer in the UK (Decker et al. 2017. PubMed ID: 28779002), in an individual with prostate cancer (Brady et al. 2022. PubMed ID: 35467778), and in an individual with ovarian cancer and melanoma (Table S4, Bhai et al. 2021. PubMed ID: 34326862). This variant is reported in 0.0065% of alleles in individuals of European (Non-Finnish) descent in gnomAD and is interpreted as uncertain in ClinVar (Variation ID: 141496). At this time, the clinical significance of this variant is uncertain due to the absence of conclusive functional and genetic evidence.

Labcorp Genetics (formerly Invitae), Labcorp
Classification: Uncertain significance for Ataxia-telangiectasia syndrome. Last evaluated: 2026-01-05. Review status: criteria provided, single submitter. Criteria: Invitae Variant Classification Sherloc (09022015). Collection method: clinical testing. Allele origin: germline.
Comment: This sequence change replaces glutamine, which is neutral and polar, with lysine, which is basic and polar, at codon 754 of the ATM protein (p.Gln754Lys). This variant is present in population databases (rs3205809, gnomAD 0.007%). This missense change has been observed in individual(s) with colorectal cancer (PMID: 27978560). ClinVar contains an entry for this variant (Variation ID: 141496). Invitae Evidence Modeling of protein sequence and biophysical properties (such as structural, functional, and spatial information, amino acid conservation, physicochemical variation, residue mobility, and thermodynamic stability) indicates that this missense variant is not expected to disrupt ATM protein function with a negative predictive value of 95%. In summary, the available evidence is currently insufficient to determine the role of this variant in disease. Therefore, it has been classified as a Variant of Uncertain Significance.

Institute of Immunology and Genetics Kaiserslautern
Classification: Uncertain significance for Breast-ovarian cancer, familial, susceptibility to, 1. Last evaluated: 2025-07-30. Review status: criteria provided, single submitter. Criteria: ACMG Guidelines, 2015. Collection method: clinical testing. Allele origin: germline. Affected: yes.
Comment: ACMG Criteria: PM2_P; Variant was found in heterozygous state.

St. Jude Molecular Pathology, St. Jude Children's Research Hospital
Classification: Uncertain significance for Ataxia-telangiectasia syndrome. Last evaluated: 2025-06-17. Review status: criteria provided, single submitter. Criteria: St. Jude Assertion Criteria 2020. Collection method: clinical testing. Allele origin: germline.
Comment: The ATM c.2260C>A (p.Gln754Lys) missense change has a maximum subpopulation frequency of 0.0065% in gnomAD v2.1.1. The in silico tool REVEL is inconclusive about a pathogenic or benign effect of this variant on protein function, and functional studies have not been performed. This variant has not been reported in individuals with ataxia telangiectasia. In summary, the evidence currently available is insufficient to determine the clinical significance of this variant. It has therefore been classified as of uncertain significance. This variant has been reported in individuals with breast cancer (PMID: 20305132, 28779002, 33471991) and prostate cancer (PMID: 35467778). This variant his absent in a database of women older than 70 years of age who have never had cancer (FLOSSIES database). In summary, the evidence currently available is insufficient to determine the clinical significance of this variant. It has therefore been classified as of uncertain significance.

Quest Diagnostics Nichols Institute San Juan Capistrano
Classification: Uncertain significance. Last evaluated: 2025-05-19. Review status: criteria provided, single submitter. Criteria: Quest Diagnostics criteria. Collection method: clinical testing. Allele origin: unknown.

GeneDx
Classification: Uncertain significance. Last evaluated: 2024-11-22. Review status: criteria provided, single submitter. Criteria: GeneDx Variant Classification Process June 2021. Collection method: clinical testing. Allele origin: germline. Affected: yes.
Comment: Observed in individuals with breast cancer (PMID: 20305132, 27978560); Observed in an individual with colorectal cancer who had a pathogenic variant in PMS2 (PMID: 27978560); Not observed at significant frequency in large population cohorts (gnomAD); In silico analysis indicates that this missense variant does not alter protein structure/function; This variant is associated with the following publications: (PMID: 22529920, 20305132, 28779002, 28652578, 28873162, 33471991, 35467778, 34326862, 27978560)

Ambry Genetics
Classification: Uncertain significance for Hereditary cancer-predisposing syndrome. Last evaluated: 2024-09-23. Review status: criteria provided, single submitter. Criteria: Ambry Variant Classification Scheme 2023. Collection method: clinical testing. Allele origin: germline.
Comment: The p.Q754K variant (also known as c.2260C>A), located in coding exon 14 of the ATM gene, results from a C to A substitution at nucleotide position 2260. The glutamine at codon 754 is replaced by lysine, an amino acid with similar properties. This alteration has been reported in at least one subject in a study of 13087 breast cancer cases and 5488 control individuals in the UK (Decker B et al. J. Med. Genet., 2017 11;54:732-741). This alteration has been previously identified in an individual from a North American cohort of individuals with early onset colon cancer; however, this individual was also found to have a pathogenic mutation in the PMS2 gene (Pearlman R et al. JAMA Oncol, 2017 Apr;3:464-471). Computational analyses involving multiple in silico prediction models predict this alteration has uncertain potential for functional significance (George Priya Doss C et al. PLoS ONE, 2012 Apr;7:e34573). This amino acid position is well conserved in available vertebrate species. In addition, the in silico prediction for this alteration is inconclusive. Since supporting evidence is limited at this time, the clinical significance of this alteration remains unclear.

Women's Health and Genetics/Laboratory Corporation of America, LabCorp
Classification: Uncertain significance. Last evaluated: 2024-07-29. Review status: criteria provided, single submitter. Criteria: LabCorp Variant Classification Summary - May 2015. Collection method: clinical testing. Allele origin: germline.
Comment: Variant summary: ATM c.2260C>A (p.Gln754Lys) results in a conservative amino acid change in the encoded protein sequence. Four of five in-silico tools predict a benign effect of the variant on protein function. The variant was absent in 250960 control chromosomes. The available data on variant occurrences in the general population are insufficient to allow any conclusion about variant significance.c.2260C>A has been reported in the literature in individuals affected with Breast, Colorectal, or Prostate Cancer (examples: Bernstein_2010, Pearlman_2017, Brady_2022). These reports do not provide unequivocal conclusions about association of the variant with Breast Cancer. Co-occurrence with a pathogenic variant has been reported (PMS2 c.1831dup, p.Ile611AsnfsX2), providing supporting evidence for a benign role (Pearlman_2017). To our knowledge, no experimental evidence demonstrating an impact on protein function has been reported. The following publications have been ascertained in the context of this evaluation (PMID: 20305132, 35467778, 27978560). ClinVar contains an entry for this variant (Variation ID: 141496). Based on the evidence outlined above, the variant was classified as uncertain significance.

Baylor Genetics
Classification: Uncertain significance for Familial cancer of breast. Last evaluated: 2023-10-16. Review status: criteria provided, single submitter. Criteria: ACMG Guidelines, 2015. Collection method: clinical testing. Allele origin: unknown.

Institute for Clinical Genetics, University Hospital TU Dresden, University Hospital TU Dresden
Classification: Uncertain significance. Last evaluated: 2023-06-13. Review status: criteria provided, single submitter. Criteria: ACMG Guidelines, 2015. Collection method: clinical testing. Allele origin: germline.
Comment: PM2_SUP

NM_000051.4(ATM):c.2260C>A (p.Gln754Lys)

Gene: ATM (ATM serine/threonine kinase; plus strand). Cytogenetic location: 11q22.3.
Variant type: single nucleotide variant.
Coding change: c.2260C>A on transcript NM_000051.4 (MANE Select); coding-DNA position 2260, C replaced by A.
Protein change: p.Gln754Lys; replaces glutamine 754 with lysine.
Molecular consequence: missense variant.
Genome position (GRCh38, 1-based): chr11:108,257,490, C>A. VCF-style: chr11-108257490-C-A. GRCh37 (hg19) VCF-style: chr11-108128217-C-A.
Other names: p.Q754K:CAA>AAA; p.Gln754Lys; c.2260C>A, p.Gln754Lys (NM_001351834.2); short protein forms Q754K.
Identifiers: ClinVar variation 141496 (VCV000141496.40), dbSNP rs3205809, ClinGen allele CA294147.